The following is an entry in ClinVar:

ClinVar aggregate classification (germline): Uncertain significance. Review status: criteria provided, multiple submitters, no conflicts (2 of 4 stars). 5 submissions from 5 submitters: Uncertain significance (5). Last evaluated 2024-10-30.

Conditions:
Hereditary cancer-predisposing syndrome. Also called: Neoplastic Syndromes, Hereditary; Hereditary Cancer Syndrome; Hereditary neoplastic syndrome; Tumor predisposition. Identifiers: Orphanet 140162, MedGen C0027672, MeSH D009386, MONDO:0015356.
Familial cancer of breast. Also called: hereditary breast carcinoma; Hereditary breast cancer; BREAST CANCER, FAMILIAL. Identifiers: Orphanet 227535, MedGen C0346153, MONDO:0016419, OMIM 114480. Disease mechanism: loss of function.

Allele frequency attached by ClinVar (database versions not stated): gnomAD exomes 0.00001.
gnomAD v4.1: 11 of 1,610,582 alleles (0.00068%); highest among the groups gnomAD compares: South Asian, 0.0011%; no homozygotes.

Submissions (5):

Labcorp Genetics (formerly Invitae), Labcorp
Classification: Uncertain significance for Familial cancer of breast. Last evaluated: 2024-10-30. Review status: criteria provided, single submitter. Criteria: Invitae Variant Classification Sherloc (09022015). Collection method: clinical testing. Allele origin: germline.
Comment: This sequence change replaces proline, which is neutral and non-polar, with serine, which is neutral and polar, at codon 464 of the BARD1 protein (p.Pro464Ser). This variant is not present in population databases (gnomAD no frequency). This variant has not been reported in the literature in individuals affected with BARD1-related conditions. ClinVar contains an entry for this variant (Variation ID: 460704). An algorithm developed to predict the effect of missense changes on protein structure and function (PolyPhen-2) suggests that this variant is likely to be disruptive. In summary, the available evidence is currently insufficient to determine the role of this variant in disease. Therefore, it has been classified as a Variant of Uncertain Significance.

GeneDx
Classification: Uncertain significance. Last evaluated: 2024-02-07. Review status: criteria provided, single submitter. Criteria: GeneDx Variant Classification Process June 2021. Collection method: clinical testing. Allele origin: germline. Affected: yes.
Comment: Not observed at significant frequency in large population cohorts (gnomAD); In silico analysis supports that this missense variant has a deleterious effect on protein structure/function; Has not been previously published as pathogenic or benign to our knowledge; This variant is associated with the following publications: (PMID: 26315354, 18480049)

Ambry Genetics
Classification: Uncertain significance for Hereditary cancer-predisposing syndrome. Last evaluated: 2023-12-07. Review status: criteria provided, single submitter. Criteria: Ambry Variant Classification Scheme 2023. Collection method: clinical testing. Allele origin: germline.
Comment: The p.P464S variant (also known as c.1390C>T), located in coding exon 5 of the BARD1 gene, results from a C to T substitution at nucleotide position 1390. The proline at codon 464 is replaced by serine, an amino acid with similar properties. This amino acid position is highly conserved in available vertebrate species. In addition, this alteration is predicted to be deleterious by in silico analysis. Since supporting evidence is limited at this time, the clinical significance of this alteration remains unclear.

Color Diagnostics, LLC DBA Color Health
Classification: Uncertain significance for Hereditary cancer-predisposing syndrome. Last evaluated: 2023-12-05. Review status: criteria provided, single submitter. Criteria: ACMG Guidelines, 2015. Collection method: clinical testing. Allele origin: germline.
Comment: This missense variant replaces proline with serine at codon 464 of the BARD1 protein. Computational prediction suggests that this variant may have deleterious impact on protein structure and function (internally defined REVEL score threshold >= 0.7, PMID: 27666373). To our knowledge, functional studies have not been reported for this variant. This variant has not been reported in individuals affected with BARD1-related disorders in the literature. This variant has not been identified in the general population by the Genome Aggregation Database (gnomAD). The available evidence is insufficient to determine the role of this variant in disease conclusively. Therefore, this variant is classified as a Variant of Uncertain Significance.

Blueprint Genetics
Classification: Uncertain significance. Last evaluated: 2023-05-23. Review status: criteria provided, single submitter. Criteria: ACMG Guidelines, 2015. Collection method: clinical testing. Allele origin: germline.

NM_000465.4(BARD1):c.1390C>T (p.Pro464Ser)

Gene: BARD1 (BRCA1 associated RING domain 1; minus strand). Cytogenetic location: 2q35.
Variant type: single nucleotide variant.
Coding change: c.1390C>T on transcript NM_000465.4 (MANE Select); coding-DNA position 1390, C replaced by T.
Protein change: p.Pro464Ser; replaces proline 464 with serine.
Molecular consequence: missense variant. On other transcripts: non-coding transcript variant (3), intron variant (3).
Genome position (GRCh38, 1-based): chr2:214,769,237, G>A on the plus strand (C>T on the coding strand, the complement: BARD1 is on the minus strand). VCF-style: chr2-214769237-G-A. GRCh37 (hg19) VCF-style: chr2-215633961-G-A.
Other names: c.1333C>T, p.Pro445Ser (NM_001282543.2); c.159-16682C>T (NM_001282548.2); c.216-16682C>T (NM_001282545.2); c.364+23060C>T (NM_001282549.2); short protein forms P464S, P445S.
Identifiers: ClinVar variation 460704 (VCV000460704.19), dbSNP rs1553619693, ClinGen allele CA350450083.
Genomic context (GRCh38, chr2:214,769,237, plus strand): 5'-AAACTATAAGAACTGTAAAACACAGAAAGAATGAGAATAAAAACCAGACAACTACCAATG[G>A]TGTCCATCCAGCATGGTCTTTAACATTTGGATCACTTCCATTTTGTAAAAGGTATTCAAC-3'
Protein context (NP_000456.2, residues 454-474): PNVKDHAGWT[Pro464Ser]LHEACNHGHL